The following is an entry in ClinVar:

NM_001005242.3(PKP2):c.224G>T (p.Gly75Val)

Gene: PKP2 (plakophilin 2; minus strand). Cytogenetic location: 12p11.21.
Variant type: single nucleotide variant.
Coding change: c.224G>T on transcript NM_001005242.3 (MANE Select); coding-DNA position 224, G replaced by T.
Protein change: p.Gly75Val; replaces glycine 75 with valine.
Molecular consequence: missense variant. On other transcripts: 5 prime UTR variant (4).
Genome position (GRCh38, 1-based): chr12:32,879,032, C>A on the plus strand (G>T on the coding strand, the complement: PKP2 is on the minus strand). VCF-style: chr12-32879032-C-A. GRCh37 (hg19) VCF-style: chr12-33031966-C-A.
Other names: NC_000012.11:g.33031966C>A; c.224G>T, p.Gly75Val (NM_001407155.1, NM_001407156.1, NM_001407157.1 and 2 more transcripts); c.-104G>T (NM_001407158.1, NM_001407159.1, NM_001407160.1 and 1 more transcripts); short protein forms G75V.
Identifiers: ClinVar variation 4383995 (VCV004383995.2).

ClinVar aggregate classification (germline): Uncertain significance (1 of 4 stars; one submission).

Conditions:
Cardiovascular phenotype. Identifiers: MedGen CN230736.

Submissions (2):

Ambry Genetics
Classification: Uncertain significance for Cardiovascular phenotype. Last evaluated: 2025-12-10. Review status: criteria provided, single submitter. Criteria: Ambry Variant Classification Scheme 2023. Collection method: clinical testing. Allele origin: germline.
Comment: The p.G75V variant (also known as c.224G>T) is located in coding exon 2 of the PKP2 gene. The glycine at codon 75 is replaced by valine, an amino acid with dissimilar properties. This change occurs in the first base pair of coding exon 2. This amino acid position is conserved. In addition, the in silico prediction for this alteration is inconclusive. Based on the available evidence, the clinical significance of this variant remains unclear.

Dr. Peter K. Rogan Lab, Western University
No classification provided (evidence only). Condition: Squamous cell lung carcinoma. Review status: no classification provided. Collection method: in vitro. Allele origin: not applicable. Functional consequence: retained intron. Not counted in ClinVar's aggregate classification.